The following is an entry in ClinVar:

ClinVar aggregate classification (germline): Conflicting classifications of pathogenicity. Review status: criteria provided, conflicting classifications (1 of 4 stars). 3 submissions from 3 submitters: Uncertain significance (1); Likely benign (2). Last evaluated 2025-02-21.

Conditions:
Hereditary cancer-predisposing syndrome. Also called: Hereditary Cancer Syndrome; Hereditary neoplastic syndrome; Neoplastic Syndromes, Hereditary; Tumor predisposition. Identifiers: Orphanet 140162, MedGen C0027672, MeSH D009386, MONDO:0015356.
Breast-ovarian cancer, familial, susceptibility to, 4. Identifiers: Orphanet 145, MedGen C3280345, MONDO:0013669, OMIM 614291.

Submissions (3):

Myriad Genetics, Inc.
Classification: Likely benign for Breast-ovarian cancer, familial, susceptibility to, 4. Last evaluated: 2025-02-21. Review status: criteria provided, single submitter. Criteria: Myriad Autosomal Dominant, Autosomal Recessive and X-Linked Classification Criteria (2023). Collection method: clinical testing. Allele origin: unknown.
Comment: This variant is considered likely benign. This variant is intronic and is not expected to impact mRNA splicing.

Labcorp Genetics (formerly Invitae), Labcorp
Classification: Likely benign for Breast-ovarian cancer, familial, susceptibility to, 4. Last evaluated: 2024-09-25. Review status: criteria provided, single submitter. Criteria: Invitae Variant Classification Sherloc (09022015). Collection method: clinical testing. Allele origin: germline.

Sema4
Classification: Uncertain significance for Hereditary cancer-predisposing syndrome. Last evaluated: 2022-02-22. Review status: criteria provided, single submitter. Criteria: Sema4 Curation Guidelines. Collection method: curation. Allele origin: germline.
Comment: The RAD51D c.346-12C>T variant has not been reported in the literature to our knowledge. It was not observed in the large and broad cohorts of the Genome Aggregation Database (PMID: 32461654). This variant has not been reported in ClinVar. In silico tools suggest that the variant does not impact splicing, though these predictions have not been confirmed by functional studies. The evidence is insufficient to meet ACMG/AMP criteria for classifying the variant as benign or pathogenic. Thus, the clinical significance of this variant is currently uncertain.

NM_002878.4(RAD51D):c.346-12C>T

Genes: RAD51D (RAD51 paralog D; minus strand), RAD51L3-RFFL (RAD51L3-RFFL readthrough; minus strand). Cytogenetic location: 17q12.
Variant type: single nucleotide variant.
Coding change: c.346-12C>T on transcript NM_002878.4 (MANE Select); 12 bases into the intron before coding-DNA position 346, C replaced by T.
Molecular consequence: intron variant.
Genome position (GRCh38, 1-based): chr17:35,107,134, G>A on the plus strand (C>T on the coding strand, the complement: RAD51D is on the minus strand). VCF-style: chr17-35107134-G-A. GRCh37 (hg19) VCF-style: chr17-33434153-G-A.
Other names: c.145-653C>T (NM_133629.3); c.406-12C>T (NM_001142571.2).
Identifiers: ClinVar variation 1692728 (VCV001692728.7), dbSNP rs878947834, ClinGen allele CA2573153508.